The following is an entry in ClinVar:

ClinVar aggregate classification (germline): Pathogenic (1 of 4 stars; one submission).

Conditions:
Hereditary breast ovarian cancer syndrome. Also called: BRCA1- and BRCA2-Associated Hereditary Breast and Ovarian Cancer; Hereditary breast and/or ovarian cancer syndrome; Hereditary breast and ovarian cancer syndrome; Hereditary breast and ovarian cancer syndrome (HBOC); Breast and ovarian cancer; Hereditary breast and ovarian cancer. Identifiers: Orphanet 145, MedGen C0677776, MeSH D061325, MONDO:0003582. Disease mechanism: loss of function.

Submission:

Labcorp Genetics (formerly Invitae), Labcorp
Classification: Pathogenic for Hereditary breast ovarian cancer syndrome. Last evaluated: 2024-02-08. Review status: criteria provided, single submitter. Criteria: Invitae Variant Classification Sherloc (09022015). Collection method: clinical testing. Allele origin: germline.
Comment: This sequence change creates a premature translational stop signal (p.Gly484Glufs*9) in the BRCA1 gene. It is expected to result in an absent or disrupted protein product. Loss-of-function variants in BRCA1 are known to be pathogenic (PMID: 20104584). This variant is not present in population databases (gnomAD no frequency). This variant has not been reported in the literature in individuals affected with BRCA1-related conditions. For these reasons, this variant has been classified as Pathogenic.

Literature cited by the submitters: PubMed 20104584.

NM_007294.4(BRCA1):c.1451del (p.Gly484fs)

Gene: BRCA1 (BRCA1 DNA repair associated; minus strand). Cytogenetic location: 17q21.31.
Variant type: Deletion.
Coding change: c.1451del on transcript NM_007294.4 (MANE Select); coding-DNA position 1451, one base deleted (G; older notation c.1451delG).
Protein change: p.Gly484fs; shifts the reading frame from glycine 484.
Molecular consequence: frameshift variant. On other transcripts: intron variant (137).
Genome position (GRCh38, 1-based): chr17:43,094,080, C deleted on the plus strand (G on the coding strand, the reverse complement: BRCA1 is on the minus strand); the first of 2 consecutive C bases (chr17:43,094,080-43,094,081); deleting either gives the same sequence. VCF-style (leftmost placement, unchanged base first): chr17-43094079-TC-T. GRCh37 (hg19) VCF-style: chr17-41246096-TC-T.
Other names: c.784+664del (NM_001408396.1, NM_001407985.1, NM_001408397.1 and 13 more transcripts); c.548-3048del (NM_001408494.1); c.664+664del (NM_001408444.1, NM_001408438.1, NM_001408430.1 and 12 more transcripts); c.670+1766del (NM_001408423.1, NM_001408420.1, NM_001408419.1 and 2 more transcripts); c.787+664del (NM_001408404.1, NM_001408472.1, NM_001407990.1 and 19 more transcripts); c.577+664del (NM_001408492.1, NM_001408513.1, NM_001408481.1 and 9 more transcripts); c.643+664del (NM_001408468.1, NM_001408470.1, NM_001408464.1 and 3 more transcripts); c.523+664del (NM_001408501.1, NM_001408497.1, NM_001408500.1 and 3 more transcripts); and 40 more; short protein forms G356fs, G436fs, G442fs, G443fs, G484fs, G316fs, G357fs, G372fs.
Identifiers: ClinVar variation 3638075 (VCV003638075.2).